The following is an entry in ClinVar:

NM_001042432.2(CLN3):c.295-17C>G

Gene: CLN3 (CLN3 lysosomal/endosomal transmembrane protein, battenin; minus strand). Cytogenetic location: 16p12.1.
Variant type: single nucleotide variant.
Coding change: c.295-17C>G on transcript NM_001042432.2 (MANE Select); 17 bases into the intron before coding-DNA position 295, C replaced by G.
Molecular consequence: intron variant.
Genome position (GRCh38, 1-based): chr16:28,487,758, G>C on the plus strand (C>G on the coding strand, the complement: CLN3 is on the minus strand). VCF-style: chr16-28487758-G-C. GRCh37 (hg19) VCF-style: chr16-28499079-G-C.
Other names: c.61-17C>G (NM_001286109.2); c.223-17C>G (NM_001286104.2); c.75-217C>G (NM_001286105.2); c.133-17C>G (NM_001286110.2); c.295-17C>G (NM_000086.2).
Identifiers: ClinVar variation 512970 (VCV000512970.5), dbSNP rs375311626, ClinGen allele CA658798580.

ClinVar aggregate classification (germline): Conflicting classifications of pathogenicity. Review status: criteria provided, conflicting classifications (1 of 4 stars). 3 submissions from 3 submitters: Uncertain significance (1); Likely benign (2). Last evaluated 2023-12-05.

Conditions:
Neuronal ceroid lipofuscinosis. Also called: Neuronal Ceroid Lipofuscinoses. Identifiers: Orphanet 216, Orphanet 79263, MedGen C0027877, MONDO:0016295. Disease mechanism: loss of function.

gnomAD v4.1: 2 of 1,603,876 alleles (0.00012%); highest among the groups gnomAD compares: South Asian, 0.0022%; no homozygotes.

Submissions (3):

Labcorp Genetics (formerly Invitae), Labcorp
Classification: Likely benign for Neuronal ceroid lipofuscinosis. Last evaluated: 2023-12-05. Review status: criteria provided, single submitter. Criteria: Invitae Variant Classification Sherloc (09022015). Collection method: clinical testing. Allele origin: germline.

Blueprint Genetics
Classification: Uncertain significance. Last evaluated: 2021-12-09. Review status: criteria provided, single submitter. Criteria: ACMG Guidelines, 2015. Collection method: clinical testing. Allele origin: germline.

GeneDx
Classification: Likely benign. Last evaluated: 2017-11-02. Review status: criteria provided, single submitter. Criteria: GeneDx Variant Classification (06012015). Collection method: clinical testing. Allele origin: germline. Affected: yes.
Comment: This variant is considered likely benign or benign based on one or more of the following criteria: it is a conservative change, it occurs at a poorly conserved position in the protein, it is predicted to be benign by multiple in silico algorithms, and/or has population frequency not consistent with disease.